The following is an entry in ClinVar:

ClinVar aggregate classification (germline): Uncertain significance (1 of 4 stars; one submission).

Conditions:
Joubert syndrome 22 (JBTS22). Identifiers: Orphanet 2754, MedGen C3810278, MONDO:0014297, OMIM 615665.

Allele frequency attached by ClinVar (database versions not stated): TOPMed below 0.00001; ExAC 0.00001; gnomAD exomes 0.00001.
gnomAD v4.1: 14 of 1,611,110 alleles (0.00087%); highest among the groups gnomAD compares: Middle Eastern, 0.017%; no homozygotes.

Submission:

Labcorp Genetics (formerly Invitae), Labcorp
Classification: Uncertain significance for Joubert syndrome 22. Last evaluated: 2022-03-02. Review status: criteria provided, single submitter. Criteria: Invitae Variant Classification Sherloc (09022015). Collection method: clinical testing. Allele origin: germline.
Comment: This sequence change replaces arginine, which is basic and polar, with glutamine, which is neutral and polar, at codon 23 of the PDE6D protein (p.Arg23Gln). This variant is present in population databases (rs765707721, gnomAD 0.006%). This variant has not been reported in the literature in individuals affected with PDE6D-related conditions. Algorithms developed to predict the effect of missense changes on protein structure and function are either unavailable or do not agree on the potential impact of this missense change (SIFT: "Deleterious"; PolyPhen-2: "Benign"; Align-GVGD: "Class C35"). Algorithms developed to predict the effect of sequence changes on RNA splicing suggest that this variant may create or strengthen a splice site. In summary, the available evidence is currently insufficient to determine the role of this variant in disease. Therefore, it has been classified as a Variant of Uncertain Significance.

NM_002601.4(PDE6D):c.68G>A (p.Arg23Gln)

Gene: PDE6D (phosphodiesterase 6D; minus strand). Cytogenetic location: 2q37.1.
Variant type: single nucleotide variant.
Coding change: c.68G>A on transcript NM_002601.4 (MANE Select); coding-DNA position 68, G replaced by A.
Protein change: p.Arg23Gln; replaces arginine 23 with glutamine.
Molecular consequence: missense variant.
Genome position (GRCh38, 1-based): chr2:231,739,171, C>T on the plus strand (G>A on the coding strand, the complement: PDE6D is on the minus strand). VCF-style: chr2-231739171-C-T. GRCh37 (hg19) VCF-style: chr2-232603881-C-T.
Other names: c.68G>A, p.Arg23Gln (NM_001291018.2); short protein forms R23Q.
Identifiers: ClinVar variation 2158118 (VCV002158118.1), dbSNP rs765707721, ClinGen allele CA2163259.